The following is an entry in ClinVar:

NM_024996.7(GFM1):c.1221+20G>A

Gene: GFM1 (G elongation factor mitochondrial 1; plus strand). Cytogenetic location: 3q25.32.
Variant type: single nucleotide variant.
Coding change: c.1221+20G>A on transcript NM_024996.7 (MANE Select); 20 bases into the intron after coding-DNA position 1221, G replaced by A.
Molecular consequence: intron variant.
Genome position (GRCh38, 1-based): chr3:158,659,079, G>A. VCF-style: chr3-158659079-G-A. GRCh37 (hg19) VCF-style: chr3-158376868-G-A.
Other names: c.1278+20G>A (NM_001308164.2); c.996+20G>A (NM_001374357.1); c.1141-1795G>A (NM_001374355.1); c.1104+20G>A (NM_001374356.1); c.654+20G>A (NM_001374359.1, NM_001374360.1); c.537+20G>A (NM_001374361.1); c.762+20G>A (NM_001374358.1); c.1221+20G>A (NM_001308166.2).
Identifiers: ClinVar variation 1028356 (VCV001028356.4), dbSNP rs1412836196, ClinGen allele CA436483930.

ClinVar aggregate classification (germline): Conflicting classifications of pathogenicity. Review status: criteria provided, conflicting classifications (1 of 4 stars). 2 submissions from 2 submitters: Uncertain significance (1); Likely benign (1). Last evaluated 2023-12-19.

Conditions:
Hepatoencephalopathy due to combined oxidative phosphorylation defect type 1. Also called: HEPATOENCEPHALOPATHY, EARLY FATAL PROGRESSIVE. Identifiers: Orphanet 137681, MedGen C1836797, MONDO:0012191, OMIM 609060.

Allele frequency attached by ClinVar (database versions not stated): gnomAD exomes below 0.00001; gnomAD 0.00001; TOPMed 0.00001.
gnomAD v4.1: 7 of 1,613,866 alleles (0.00043%); highest among the groups gnomAD compares: African/African-American, 0.0067%; no homozygotes.

Submissions (2):

Labcorp Genetics (formerly Invitae), Labcorp
Classification: Likely benign. Last evaluated: 2023-12-19. Review status: criteria provided, single submitter. Criteria: Invitae Variant Classification Sherloc (09022015). Collection method: clinical testing. Allele origin: germline.

Baylor Genetics
Classification: Uncertain significance for Hepatoencephalopathy due to combined oxidative phosphorylation defect type 1. Last evaluated: 2020-04-24. Review status: criteria provided, single submitter. Criteria: ACMG Guidelines, 2015. Collection method: clinical testing. Allele origin: unknown. Affected: yes.
Comment: This variant was determined to be of uncertain significance according to ACMG Guidelines, 2015 [PMID:25741868].